The following is an entry in ClinVar:

ClinVar aggregate classification (germline): Conflicting classifications of pathogenicity. Review status: criteria provided, conflicting classifications (1 of 4 stars). 5 submissions from 5 submitters: Likely pathogenic (1); Uncertain significance (4). Last evaluated 2026-05-18.

Conditions:
TNNT2-related disorder. Also called: TNNT2-related condition.
Hypertrophic cardiomyopathy 2. Also called: TNNT2-Related Familial Hypertrophic Cardiomyopathy. Identifiers: MedGen C1861864, MONDO:0007266, OMIM 115195.
Cardiomyopathy, familial restrictive, 3. Identifiers: Orphanet 75249, MedGen C2676271, MONDO:0012900, OMIM 612422.
Dilated cardiomyopathy 1D. Identifiers: Orphanet 154, Orphanet 54260, MedGen C1832243, MONDO:0011095, OMIM 601494.
Cardiomyopathy (CMYO). Also called: Cardiomyopathies. Identifiers: Orphanet 167848, MedGen C0878544, MONDO:0004994, HP:0001638. Inheritance: Various modes of inheritance.

Allele frequency attached by ClinVar (database versions not stated): gnomAD exomes below 0.00001.
gnomAD v4.1: 1 of 1,599,368 alleles (0.000063%); highest among the groups gnomAD compares: Non-Finnish European, 0.000085%; no homozygotes.

Submissions (5):

PreventionGenetics, part of Exact Sciences
Classification: Uncertain significance for TNNT2-related condition. Last evaluated: 2026-05-18. Review status: criteria provided, single submitter. Criteria: ACMG Guidelines, 2015. Collection method: clinical testing. Allele origin: germline.
Comment: The TNNT2 c.821+5G>A variant is predicted to interfere with splicing. This variant, referred to as c.851+5G>A in the alternate transcript NM_001276345, has been reported in individuals with hypertrophic cardiomyopathy (Rucinski et al. 2022. PubMed ID: 36204818; Table S8, McGurk et al. 2023. PubMed ID: 37652022). This variant has not been reported in a large population database (gnomAD), indicating this variant is rare. This variant has conflicting interpretations regarding its pathogenicity in ClinVar, ranging from uncertain to likely pathogenic (Variation ID: 36886). Although we suspect that this variant may be pathogenic, at this time, the clinical significance of this variant is uncertain due to the absence of conclusive functional and genetic evidence.

Labcorp Genetics (formerly Invitae), Labcorp
Classification: Uncertain significance for Cardiomyopathy, familial restrictive, 3; Hypertrophic cardiomyopathy 2; Dilated cardiomyopathy 1D. Last evaluated: 2025-11-25. Review status: criteria provided, single submitter. Criteria: Invitae Variant Classification Sherloc (09022015). Collection method: clinical testing. Allele origin: germline.
Comment: This sequence change falls in intron 15 of the TNNT2 gene. It does not directly change the encoded amino acid sequence of the TNNT2 protein. It affects a nucleotide within the consensus splice site. This variant is not present in population databases (gnomAD no frequency). This variant has been observed in individual(s) with hypertrophic cardiomyopathy (PMID: 36204818, 37652022). ClinVar contains an entry for this variant (Variation ID: 36886). Variants that disrupt the consensus splice site are a relatively common cause of aberrant splicing (PMID: 17576681, 9536098). Algorithms developed to predict the effect of sequence changes on RNA splicing suggest that this variant may disrupt the consensus splice site. In summary, the available evidence is currently insufficient to determine the role of this variant in disease. Therefore, it has been classified as a Variant of Uncertain Significance.

GeneDx
Classification: Likely pathogenic. Last evaluated: 2025-06-16. Review status: criteria provided, single submitter. Criteria: GeneDx Variant Classification Process June 2021. Collection method: clinical testing. Allele origin: germline. Affected: yes.
Comment: Not observed at significant frequency in large population cohorts (gnomAD); Identified in a patient with hypertrophic cardiomyopathy in the published literature (PMID: 36204818); In silico analysis supports a deleterious effect on splicing; This variant is associated with the following publications: (PMID: 37652022, 36204818)

Women's Health and Genetics/Laboratory Corporation of America, LabCorp
Classification: Uncertain significance. Last evaluated: 2019-02-05. Review status: criteria provided, single submitter. Criteria: LabCorp Variant Classification Summary - May 2015. Collection method: clinical testing. Allele origin: germline.
Comment: Variant summary: TNNT2 c.821+5G>A alters a conserved nucleotide located close to a canonical splice site and therefore could affect mRNA splicing, leading to a significantly altered protein sequence. Several computational tools predict a significant impact on normal splicing: four predict the variant abolishes a 5' splicing donor site (ACMG PP3). However, these predictions have yet to be confirmed by functional studies. The variant was absent in 222940 control chromosomes (gnomAD) (ACMG PM2). The available data on variant occurrences in the general population are insufficient to allow any conclusion about variant significance. To our knowledge, no occurrence of c.821+5G>A in individuals affected with Cardiomyopathy and no experimental evidence demonstrating its impact on protein function have been reported in the literature. One clinical diagnostic laboratory has submitted clinical-significance assessments for this variant to ClinVar after 2014 without evidence for independent evaluation, and classified the variant as likely pathogenic while noting that it has been identified independently of additional cardiogenetic variants in several individuals referred for HCM genetic testing at their laboratory (GeneDx 2016). However, the exact number of functional meiotic transmissions is not specified, therefore, we have not considered this information to support co-segregation within the context of our evaluation at this time. However, this patient is lost to follow-up and no information pertaining to clinical history and/or co-segregation with disease is available at this time. Other variants affecting the same canonical splice site (c.821+1G>A, c.821+1G>C and c.821+1G>T) have been reported in association with HCM (HGMD and in the Atlas of Cardiac Genetic Variation database) but that does not unequivocally prove causation for this variant located outside of the canonical splice site in the TNNT2 gene. Therefore, based strictly on the limited information available as outlined above, the variant was classified as VUS-possibly pathogenic.

CHEO Genetics Diagnostic Laboratory, Children's Hospital of Eastern Ontario
Classification: Uncertain significance for Cardiomyopathy. Last evaluated: 2018-01-05. Review status: criteria provided, single submitter. Criteria: ACMG Guidelines, 2015. Collection method: clinical testing. Allele origin: germline.

Literature cited by the submitters: PubMed 36204818 (cited by Labcorp Genetics (formerly Invitae), Labcorp); PubMed 37652022 (cited by Labcorp Genetics (formerly Invitae), Labcorp); PubMed 17576681 (cited by Labcorp Genetics (formerly Invitae), Labcorp); PubMed 9536098 (cited by Labcorp Genetics (formerly Invitae), Labcorp).

NM_001276345.2(TNNT2):c.851+5G>A

Gene: TNNT2 (troponin T2, cardiac type; minus strand). Cytogenetic location: 1q32.1.
Variant type: single nucleotide variant.
Coding change: c.851+5G>A on transcript NM_001276345.2 (MANE Select); 5 bases into the intron after coding-DNA position 851, G replaced by A.
Molecular consequence: intron variant.
Genome position (GRCh38, 1-based): chr1:201,359,618, C>T on the plus strand (G>A on the coding strand, the complement: TNNT2 is on the minus strand). VCF-style: chr1-201359618-C-T. GRCh37 (hg19) VCF-style: chr1-201328746-C-T.
Other names: c.803+5G>A (NM_001001432.3); c.812+5G>A (NM_001001431.3); c.821+5G>A (NM_001001430.3, NM_001276347.2); c.722+5G>A (NM_001276346.2); c.842+5G>A (NM_000364.4).
Identifiers: ClinVar variation 36886 (VCV000036886.15), dbSNP rs193922620, ClinGen allele CA005225.
Genomic context (GRCh38, chr1:201,359,618, plus strand): 5'-TAGCTGGAAGGTAGGGAAGGAGGGGGCAGGGGGAGGGCTAGGCGAGAATGACCTCAGACA[C>T]TTACACTTTCTGGTTATCGTTGATCCTGTTTCGGAGAACATTGATCTGCAAGAAAAGTGG-3'